The following is an entry in ClinVar:

NM_001009944.3(PKD1):c.7307G>T (p.Gly2436Val)

Gene: PKD1 (polycystin 1, transient receptor potential channel interacting; minus strand). Cytogenetic location: 16p13.3.
Variant type: single nucleotide variant.
Coding change: c.7307G>T on transcript NM_001009944.3 (MANE Select); coding-DNA position 7307, G replaced by T.
Protein change: p.Gly2436Val; replaces glycine 2436 with valine.
Molecular consequence: missense variant.
Genome position (GRCh38, 1-based): chr16:2,106,580, C>A on the plus strand (G>T on the coding strand, the complement: PKD1 is on the minus strand). VCF-style: chr16-2106580-C-A. GRCh37 (hg19) VCF-style: chr16-2156581-C-A.
Other names: c.7307G>T, p.Gly2436Val (NM_000296.4); short protein forms G2436V.
Identifiers: ClinVar variation 4857246 (VCV004857246.2).
Genomic context (GRCh38, chr16:2,106,580, plus strand): 5'-TCGCCAGAGCGGCCCAGCACCGTGAGCGTGAAGGTGTATCCCTCGCCGTCCCGCAGCACG[C>A]CCCGCCGCAGCACCAGTCGCATGCCTGCACTGCCCGTGGATGTGGTGGTCTCATCCAGCA-3'
Protein context (NP_001009944.3, residues 2426-2446): SAGMRLVLRR[Gly2436Val]VLRDGEGYTF

ClinVar aggregate classification (germline): Uncertain significance. Review status: criteria provided, multiple submitters, no conflicts (2 of 4 stars). 2 submissions from 2 submitters: Uncertain significance (2). Last evaluated 2026-05-11.

Conditions:
Polycystic kidney disease, adult type (PKD1). Also called: Polycystic Kidney Disease 1, Autosomal Dominant; Polycystic kidney disease 1; Polycystic kidney disease 1, severe; POLYCYSTIC KIDNEY DISEASE, ADULT, TYPE I; Polycystic Kidney, Autosomal Dominant; POLYCYSTIC KIDNEY DISEASE 1 WITH OR WITHOUT POLYCYSTIC LIVER DISEASE. Identifiers: MedGen C3149841, MONDO:0008263, OMIM 173900.

Submissions (2):

Victorian Clinical Genetics Services, Murdoch Childrens Research Institute
Classification: Uncertain significance for Polycystic kidney disease, adult type. Last evaluated: 2026-05-11. Review status: criteria provided, single submitter. Criteria: ACMG Guidelines, 2015. Collection method: clinical testing. Allele origin: germline. Affected: yes.
Comment: This variant is classified as VUS-3A. Evidence in support of pathogenic classification: Variant is absent from gnomAD (v2, v3 and v4); This variant has limited previous evidence of pathogenicity in an unrelated individual. This variant has been reported in the literature in an individual with ADPKD (PMID: 31740684); Missense variant predicted to be damaging by in silico tool(s) or highly conserved with a major amino acid change. Additional information: Variant is predicted to result in a missense amino acid change from Gly to Val; This variant is heterozygous; This gene is associated with autosomal dominant disease. Polycystic kidney disease 1 (MIM#173900) is predominantly caused by monoallelic variants, with rare reports of biallelic variants causing disease (OMIM); Alternative amino acid change(s) at the same position are present in gnomAD (highest allele count: v4: 3 heterozygote(s), 0 homozygote(s)); No published evidence of segregation with disease has been identified for this variant; No published functional evidence has been identified for this variant; No comparable missense variants have previous evidence for pathogenicity; Variant is located in the annotated REJ domain (DECIPHER); Loss of function is a known mechanism of disease in this gene and is associated with polycystic kidney disease 1 (MIM#173900); Inheritance information for this variant is not currently available in this individual.

MVZ Medizinische Genetik Mainz
Classification: Uncertain significance for Polycystic kidney disease, adult type. Last evaluated: 2024-04-08. Review status: criteria provided, single submitter. Criteria: UK Practice Guidelines For Variant Classification V4 01 2020. Collection method: clinical testing. Allele origin: germline. Inheritance: Autosomal dominant inheritance. Affected: yes. Observed: 1 variant allele.
Comment: ACMG Criteria: PS4_SUP,PM1_SUP,PM2_SUP,PP3,PP4

Literature cited by the submitters: PubMed 31740684 (cited by Victorian Clinical Genetics Services, Murdoch Childrens Research Institute).